The following is an entry in ClinVar:

NM_000334.4(SCN4A):c.887G>T (p.Ser296Ile)

Gene: SCN4A (sodium voltage-gated channel alpha subunit 4; minus strand). Cytogenetic location: 17q23.3.
Variant type: single nucleotide variant.
Coding change: c.887G>T on transcript NM_000334.4 (MANE Select); coding-DNA position 887, G replaced by T.
Protein change: p.Ser296Ile; replaces serine 296 with isoleucine.
Molecular consequence: missense variant.
Genome position (GRCh38, 1-based): chr17:63,968,172, C>A on the plus strand (G>T on the coding strand, the complement: SCN4A is on the minus strand). VCF-style: chr17-63968172-C-A. GRCh37 (hg19) VCF-style: chr17-62045532-C-A.
Other names: short protein forms S296I.
Identifiers: ClinVar variation 4747013 (VCV004747013.1).
Genomic context (GRCh38, chr17:63,968,172, plus strand): 5'-TCATTGCCGTACCACATCTCATTGCCATACCATGTGTCATTGCCGTACCACGTGTCATTG[C>A]TGTACCACGTGGTGTTGGTGTCGTTGAACGGCGGGGGCCAGCGCACACACTTCTGCCTCA-3'
Protein context (NP_000325.4, residues 286-306): PFNDTNTTWY[Ser296Ile]NDTWYGNDTW

ClinVar aggregate classification (germline): Uncertain significance (1 of 4 stars; one submission).

Conditions:
Hyperkalemic periodic paralysis. Also called: Familial hyperkalemic periodic paralysis; Gamstorp disease. Identifiers: Orphanet 682, MedGen C0238357, MONDO:0008224, OMIM 170500, HP:0007215.

gnomAD v4.1: 6 of 1,613,994 alleles (0.00037%); highest among the groups gnomAD compares: Non-Finnish European, 0.00051%; no homozygotes.

Submission:

Labcorp Genetics (formerly Invitae), Labcorp
Classification: Uncertain significance for Hyperkalemic periodic paralysis. Last evaluated: 2025-10-06. Review status: criteria provided, single submitter. Criteria: Invitae Variant Classification Sherloc (09022015). Collection method: clinical testing. Allele origin: germline.
Comment: This sequence change replaces serine, which is neutral and polar, with isoleucine, which is neutral and non-polar, at codon 296 of the SCN4A protein (p.Ser296Ile). This variant is not present in population databases (gnomAD no frequency). This variant has not been reported in the literature in individuals affected with SCN4A-related conditions. Invitae Evidence Modeling of protein sequence and biophysical properties (such as structural, functional, and spatial information, amino acid conservation, physicochemical variation, residue mobility, and thermodynamic stability) indicates that this missense variant is not expected to disrupt SCN4A protein function with a negative predictive value of 95%. In summary, the available evidence is currently insufficient to determine the role of this variant in disease. Therefore, it has been classified as a Variant of Uncertain Significance.